The following is an entry in ClinVar:

NM_003470.3(USP7):c.3039+3A>G

Gene: USP7 (ubiquitin specific peptidase 7; minus strand). Cytogenetic location: 16p13.2.
Variant type: single nucleotide variant.
Coding change: c.3039+3A>G on transcript NM_003470.3 (MANE Select); 3 bases into the intron after coding-DNA position 3039, A replaced by G.
Molecular consequence: intron variant.
Genome position (GRCh38, 1-based): chr16:8,895,028, T>C on the plus strand (A>G on the coding strand, the complement: USP7 is on the minus strand). VCF-style: chr16-8895028-T-C. GRCh37 (hg19) VCF-style: chr16-8988885-T-C.
Other names: c.2865+3A>G (NM_001321858.2); c.2991+3A>G (NM_001286457.2); c.2742+3A>G (NM_001286458.2).
Identifiers: ClinVar variation 1696448 (VCV001696448.6), dbSNP rs1400807618, ClinGen allele CA725620499.

ClinVar aggregate classification (germline): Uncertain significance. Review status: criteria provided, multiple submitters, no conflicts (2 of 4 stars). 3 submissions from 3 submitters: Uncertain significance (3). Last evaluated 2024-02-07.

Conditions:
Hao-Fountain syndrome (HAFOUS). Identifiers: Orphanet 643549, MedGen C5393908, MONDO:0014805.

Allele frequency attached by ClinVar (database versions not stated): gnomAD exomes below 0.00001; gnomAD 0.00001; TOPMed 0.00003.
gnomAD v4.1: 5 of 1,614,130 alleles (0.00031%); highest among the groups gnomAD compares: Admixed American, 0.0017%; no homozygotes.

Submissions (3):

Women's Health and Genetics/Laboratory Corporation of America, LabCorp
Classification: Uncertain significance. Last evaluated: 2024-02-07. Review status: criteria provided, single submitter. Criteria: LabCorp Variant Classification Summary - May 2015. Collection method: clinical testing. Allele origin: germline.
Comment: Variant summary: USP7 c.3039+3A>G alters a conserved nucleotide located close to a canonical splice site and therefore could affect mRNA splicing, leading to a significantly altered protein sequence. Several computational tools predict a significant impact on normal splicing: Three predict the variant weakens the 5' canonical donor site. One predict the variant no significant impact on splicing. However, these predictions have yet to be confirmed by functional studies. The variant was absent in 282890 control chromosomes. The available data on variant occurrences in the general population are insufficient to allow any conclusion about variant significance. To our knowledge, no occurrence of c.3039+3A>G in individuals affected with Hao-Fountain Syndrome and no experimental evidence demonstrating its impact on protein function have been reported. ClinVar contains an entry for this variant (Variation ID: 1696448). Based on the evidence outlined above, the variant was classified as uncertain significance.

Labcorp Genetics (formerly Invitae), Labcorp
Classification: Uncertain significance. Last evaluated: 2023-03-03. Review status: criteria provided, single submitter. Criteria: Invitae Variant Classification Sherloc (09022015). Collection method: clinical testing. Allele origin: germline.
Comment: In summary, the available evidence is currently insufficient to determine the role of this variant in disease. Therefore, it has been classified as a Variant of Uncertain Significance. Variants that disrupt the consensus splice site are a relatively common cause of aberrant splicing (PMID: 17576681, 9536098). Algorithms developed to predict the effect of sequence changes on RNA splicing suggest that this variant may create or strengthen a splice site. ClinVar contains an entry for this variant (Variation ID: 1696448). This variant has not been reported in the literature in individuals affected with USP7-related conditions. This variant is not present in population databases (gnomAD no frequency). This sequence change falls in intron 28 of the USP7 gene. It does not directly change the encoded amino acid sequence of the USP7 protein. It affects a nucleotide within the consensus splice site.

New York Genome Center
Classification: Uncertain significance for Hao-Fountain syndrome due to USP7 mutation. Last evaluated: 2021-06-25. Review status: criteria provided, single submitter. Criteria: NYGC Assertion Criteria 2020. Collection method: clinical testing. Allele origin: inherited. Observed: 1 heterozygote. Study: CSER-NYCKidSeq.

Literature cited by the submitters: PubMed 17576681 (cited by Labcorp Genetics (formerly Invitae), Labcorp); PubMed 9536098 (cited by Labcorp Genetics (formerly Invitae), Labcorp).